The following is an entry in ClinVar:

NM_177438.3(DICER1):c.144+10C>T

Gene: DICER1 (dicer 1, ribonuclease III; minus strand). Cytogenetic location: 14q32.13.
Variant type: single nucleotide variant.
Coding change: c.144+10C>T on transcript NM_177438.3 (MANE Select); 10 bases into the intron after coding-DNA position 144, C replaced by T.
Molecular consequence: intron variant.
Genome position (GRCh38, 1-based): chr14:95,133,305, G>A on the plus strand (C>T on the coding strand, the complement: DICER1 is on the minus strand). VCF-style: chr14-95133305-G-A. GRCh37 (hg19) VCF-style: chr14-95599642-G-A.
Other names: c.144+10C>T (NM_001291628.2, NM_030621.4, NM_001271282.3 and 1 more transcripts).
Identifiers: ClinVar variation 417045 (VCV000417045.17), dbSNP rs200678453, ClinGen allele CA7331739.

ClinVar aggregate classification (germline): Likely benign. Review status: criteria provided, multiple submitters, no conflicts (2 of 4 stars). 5 submissions from 5 submitters: Likely benign (5). Last evaluated 2026-04-10.

Conditions:
DICER1-related disorder. Also called: DICER1-related condition.
DICER1-related tumor predisposition. Also called: DICER1 syndrome; DICER1-related pleuropulmonary blastoma cancer predisposition syndrome. Identifiers: Orphanet 284343, MedGen C3839822, MONDO:0100216.

Allele frequency attached by ClinVar (database versions not stated): gnomAD 0.00003 and 0.00004; TOPMed 0.00003; ExAC 0.00005.
gnomAD v4.1: 32 of 1,613,444 alleles (0.002%); highest among the groups gnomAD compares: African/African-American, 0.0027%; no homozygotes.

Submissions (5):

Myriad Genetics, Inc.
Classification: Likely benign for DICER1-related tumor predisposition. Last evaluated: 2026-04-10. Review status: criteria provided, single submitter. Criteria: Myriad Autosomal Dominant, Autosomal Recessive and X-Linked Classification Criteria (2023). Collection method: clinical testing. Allele origin: unknown.
Comment: This variant is considered likely benign. This variant is intronic and is not expected to impact mRNA splicing.

Center for Genomic Medicine, Rigshospitalet, Copenhagen University Hospital
Classification: Likely benign. Last evaluated: 2025-12-29. Review status: criteria provided, single submitter. Criteria: ACMG Guidelines, 2015. Collection method: clinical testing. Allele origin: germline.

Labcorp Genetics (formerly Invitae), Labcorp
Classification: Likely benign for DICER1-related tumor predisposition. Last evaluated: 2025-12-03. Review status: criteria provided, single submitter. Criteria: Invitae Variant Classification Sherloc (09022015). Collection method: clinical testing. Allele origin: germline.

PreventionGenetics, part of Exact Sciences
Classification: Likely benign for DICER1-related condition. Last evaluated: 2025-09-07. Review status: criteria provided, single submitter. Criteria: ACMG Guidelines, 2015. Collection method: clinical testing. Allele origin: germline.
Comment: This variant is classified as likely benign based on ACMG/AMP sequence variant interpretation guidelines (Richards et al. 2015 PMID: 25741868, with internal and published modifications).

Blueprint Genetics
Classification: Likely benign. Last evaluated: 2020-02-12. Review status: criteria provided, single submitter. Criteria: ACMG Guidelines, 2015. Collection method: clinical testing. Allele origin: germline.